The following is an entry in ClinVar:

NM_033026.6(PCLO):c.11879A>G (p.Gln3960Arg)

Gene: PCLO (piccolo presynaptic cytomatrix protein; minus strand). Cytogenetic location: 7q21.11.
Variant type: single nucleotide variant.
Coding change: c.11879A>G on transcript NM_033026.6 (MANE Select); coding-DNA position 11879, A replaced by G.
Protein change: p.Gln3960Arg; replaces glutamine 3960 with arginine.
Molecular consequence: missense variant.
Genome position (GRCh38, 1-based): chr7:82,916,107, T>C on the plus strand (A>G on the coding strand, the complement: PCLO is on the minus strand). VCF-style: chr7-82916107-T-C. GRCh37 (hg19) VCF-style: chr7-82545423-T-C.
Other names: c.11879A>G, p.Gln3960Arg (NM_014510.3); short protein forms Q3960R.
Identifiers: ClinVar variation 1477602 (VCV001477602.8), dbSNP rs76770130, ClinGen allele CA4319491.
Genomic context (GRCh38, chr7:82,916,107, plus strand): 5'-ACTTCATAGTTTGAGGTTATCTTGGGCTCCAAATATAATGTAGTTTGCCGTGGCTTCTGT[T>C]GTATCACCATCATCTGTGAAGGTAACTGATAAGAAGGCTGTGGGGTTGGTGTAGGTTGAA-3'
Protein context (NP_149015.2, residues 3950-3970): YQLPSQMMVI[Gln3960Arg]QKPRQTTLYL

ClinVar aggregate classification (germline): Uncertain significance (1 of 4 stars; one submission).

Allele frequency attached by ClinVar (database versions not stated): gnomAD exomes below 0.00001; ExAC 0.00001.
gnomAD v4.1: 1 of 1,613,680 alleles (0.000062%); highest among the groups gnomAD compares: East Asian, 0.0022%; no homozygotes.

Submission:

Labcorp Genetics (formerly Invitae), Labcorp
Classification: Uncertain significance. Last evaluated: 2021-03-29. Review status: criteria provided, single submitter. Criteria: Invitae Variant Classification Sherloc (09022015). Collection method: clinical testing. Allele origin: germline.
Comment: In summary, the available evidence is currently insufficient to determine the role of this variant in disease. Therefore, it has been classified as a Variant of Uncertain Significance. Algorithms developed to predict the effect of missense changes on protein structure and function are either unavailable or do not agree on the potential impact of this missense change (SIFT: "Tolerated"; PolyPhen-2: "Not Available"; Align-GVGD: "Class C0"). This variant has not been reported in the literature in individuals with PCLO-related conditions. This variant is present in population databases (rs76770130, ExAC 0.01%). This sequence change replaces glutamine with arginine at codon 3960 of the PCLO protein (p.Gln3960Arg). The glutamine residue is moderately conserved and there is a small physicochemical difference between glutamine and arginine.